The following is an entry in ClinVar:

ClinVar aggregate classification (germline): Uncertain significance (1 of 4 stars; one submission).

Submission:

CeGaT Center for Human Genetics Tuebingen
Classification: Uncertain significance. Last evaluated: 2025-07-01. Review status: criteria provided, single submitter. Criteria: CeGaT Center For Human Genetics Tuebingen Variant Classification Criteria Version 2. Collection method: clinical testing. Allele origin: germline. Affected: yes. Observed: 1 variant allele.
Comment: ANK3: PM2, BP4

NM_020987.5(ANK3):c.3328+5T>C

Gene: ANK3 (ankyrin 3; minus strand). Cytogenetic location: 10q21.2.
Variant type: single nucleotide variant.
Coding change: c.3328+5T>C on transcript NM_020987.5 (MANE Select); 5 bases into the intron after coding-DNA position 3328, T replaced by C.
Molecular consequence: intron variant.
Genome position (GRCh38, 1-based): chr10:60,105,900, A>G on the plus strand (T>C on the coding strand, the complement: ANK3 is on the minus strand). VCF-style: chr10-60105900-A-G. GRCh37 (hg19) VCF-style: chr10-61865658-A-G.
Other names: c.3310+5T>C (NM_001204403.2); c.3331+5T>C (NM_001204404.2); c.3328+5T>C (NM_001320874.2); c.730+5T>C (NM_001149.4).
Identifiers: ClinVar variation 4085165 (VCV004085165.8).